The following is an entry in ClinVar:

ClinVar aggregate classification (germline): Uncertain significance (1 of 4 stars; one submission).

Conditions:
Congenital contractural arachnodactyly (CCA). Also called: Beals-Hecht syndrome; Arthrogryposis, distal, type 9; BEALS SYNDROME. Identifiers: Orphanet 115, MedGen C0220668, MONDO:0007363, OMIM 121050.

Submission:

Labcorp Genetics (formerly Invitae), Labcorp
Classification: Uncertain significance for Congenital contractural arachnodactyly. Last evaluated: 2023-09-27. Review status: criteria provided, single submitter. Criteria: Invitae Variant Classification Sherloc (09022015). Collection method: clinical testing. Allele origin: unknown.
Comment: A copy number gain of the genomic region encompassing the full coding sequence of the FBN2 gene has been identified. The boundaries of this event are unknown as they extend beyond the assayed region for this gene and therefore may encompass additional genes. As the precise location of this event is unknown, it may be in tandem or it may be located elsewhere in the genome. This variant has not been reported in the literature in individuals affected with FBN2-related conditions. In summary, the available evidence is currently insufficient to determine the role of this variant in disease. Therefore, it has been classified as a Variant of Uncertain Significance.

NC_000005.9:g.(?_127595147)_(127873296_?)dup

Gene: FBN2 (fibrillin 2; minus strand). Cytogenetic location: 5q23.3.
Variant type: Duplication.
Identifiers: ClinVar variation 3246297 (VCV003246297.1).